The following is an entry in ClinVar:

ClinVar aggregate classification (germline): Uncertain significance. Review status: criteria provided, multiple submitters, no conflicts (2 of 4 stars). 2 submissions from 2 submitters: Uncertain significance (2). Last evaluated 2025-06-19.

Conditions:
Inborn genetic diseases. Identifiers: MedGen C0950123, MeSH D030342.
FANCM-related disorder. Also called: FANCM-related condition.

Submissions (2):

Ambry Genetics
Classification: Uncertain significance for Inborn genetic diseases. Last evaluated: 2025-06-19. Review status: criteria provided, single submitter. Criteria: Ambry Variant Classification Scheme 2023. Collection method: clinical testing. Allele origin: germline.
Comment: The p.K636Q variant (also known as c.1906A>C), located in coding exon 11 of the FANCM gene, results from an A to C substitution at nucleotide position 1906. The lysine at codon 636 is replaced by glutamine, an amino acid with similar properties. This amino acid position is conserved. In addition, this alteration is predicted to be tolerated by in silico analysis. Based on the available evidence, the clinical significance of this variant remains unclear.

PreventionGenetics, part of Exact Sciences
Classification: Uncertain significance for FANCM-related condition. Last evaluated: 2023-09-06. Review status: criteria provided, single submitter. Criteria: ACMG Guidelines, 2015. Collection method: clinical testing. Allele origin: germline.
Comment: The FANCM c.1906A>C variant is predicted to result in the amino acid substitution p.Lys636Gln. To our knowledge, this variant has not been reported in the literature or in a large population database, indicating this variant is rare. At this time, the clinical significance of this variant is uncertain due to the absence of conclusive functional and genetic evidence.

NM_020937.4(FANCM):c.1906A>C (p.Lys636Gln)

Gene: FANCM (FA complementation group M; plus strand). Cytogenetic location: 14q21.2.
Variant type: single nucleotide variant.
Coding change: c.1906A>C on transcript NM_020937.4 (MANE Select); coding-DNA position 1906, A replaced by C.
Protein change: p.Lys636Gln; replaces lysine 636 with glutamine.
Molecular consequence: missense variant.
Genome position (GRCh38, 1-based): chr14:45,167,067, A>C. VCF-style: chr14-45167067-A-C. GRCh37 (hg19) VCF-style: chr14-45636270-A-C.
Other names: c.1828A>C, p.Lys610Gln (NM_001308133.2); c.1906A>C, p.Lys636Gln (NM_001308134.2); short protein forms K610Q, K636Q.
Identifiers: ClinVar variation 2628408 (VCV002628408.2), dbSNP rs2503150660, ClinGen allele CA389595026.
Genomic context (GRCh38, chr14:45,167,067, plus strand): 5'-AGGCAGGTCCTTCATTTTTACCAAAGAAGTCCACGAATGGTTCCTGATGGAATCAACCCA[A>C]AATTACACAAAATGTTCATCACACATGGTGTCTATGAACCAGAGAAGCCTTCTCGGAACT-3'
Protein context (NP_065988.1, residues 626-646): PRMVPDGINP[Lys636Gln]LHKMFITHGV